The following is an entry in ClinVar:

NM_000091.5(COL4A3):c.-10C>T

Genes: COL4A3 (collagen type IV alpha 3 chain; plus strand), LOC129935730 (ATAC-STARR-seq lymphoblastoid silent region 12397; plus strand). Cytogenetic location: 2q36.3.
Variant type: single nucleotide variant.
Coding change: c.-10C>T on transcript NM_000091.5 (MANE Select); 10 bases upstream of the start codon, C replaced by T.
Molecular consequence: 5 prime UTR variant.
Genome position (GRCh38, 1-based): chr2:227,164,717, C>T. VCF-style: chr2-227164717-C-T. GRCh37 (hg19) VCF-style: chr2-228029433-C-T.
Identifiers: ClinVar variation 898879 (VCV000898879.15), dbSNP rs781380101, ClinGen allele CA2145882.

ClinVar aggregate classification (germline): Conflicting classifications of pathogenicity. Review status: criteria provided, conflicting classifications (1 of 4 stars). 5 submissions from 5 submitters: Uncertain significance (1); Likely benign (2). 2 of the submissions do not count toward it. Last evaluated 2025-08-29.

Conditions:
COL4A3-related disorder. Also called: COL4A3-Related Disorders; COL4A3-related condition.
Alport syndrome. Also called: Hemorrhagic familial nephritis; Hemorrhagic hereditary nephritis; Congenital hereditary hematuria. Identifiers: Orphanet 63, MedGen C1567741, MONDO:0018965.
Autosomal dominant Alport syndrome (ATS3A). Also called: ALPORT SYNDROME 3A, AUTOSOMAL DOMINANT; Alport syndrome dominant type; Renal failure and sensorineural hearing loss. Identifiers: Orphanet 63, Orphanet 88918, MedGen C5882663, MONDO:0007086, OMIM 104200.

Allele frequency attached by ClinVar (database versions not stated): 1000 Genomes Project 30x 0.00016; gnomAD exomes 0.00027 and 0.00039; TOPMed 0.00031; ExAC 0.00056.
gnomAD v4.1: 430 of 1,530,590 alleles (0.028%); highest among the groups gnomAD compares: Middle Eastern, 0.53%; 4 homozygotes.

Submissions (5):

Women's Health and Genetics/Laboratory Corporation of America, LabCorp
Classification: Likely benign. Last evaluated: 2025-08-29. Review status: criteria provided, single submitter. Criteria: LabCorp Variant Classification Summary - May 2015. Collection method: clinical testing. Allele origin: germline.
Comment: Variant summary: COL4A3 c.-10C>T is located in the untranslated mRNA region upstream of the initiation codon. The variant allele was found at a frequency of 0.00028 in 1530590 control chromosomes, predominantly at a frequency of 0.0011 within the South Asian subpopulation in the gnomAD database, including 4 homozygotes, which is inconsistent with the severe and early onset presentation of recessive Alport syndrome for this gene. This frequency is not significantly higher than estimated for disease-causing variants in COL4A3, allowing no conclusion about variant significance. To our knowledge, c.-10C>T has only been described as a polymorphism in individual(s) affected with Alport Syndrome, Autosomal Recessive (Vega_2003). These report(s) do not provide unequivocal conclusions about association of the variant with Alport Syndrome, Autosomal Recessive. To our knowledge, no experimental evidence demonstrating an impact on protein function has been reported. The following publications have been ascertained in the context of this evaluation (PMID: 14582039, 15880327, 38012624). ClinVar contains an entry for this variant (Variation ID: 898879). Based on the evidence outlined above, the variant was classified as likely benign.

Blueprint Genetics
Classification: Likely benign. Last evaluated: 2024-11-25. Review status: criteria provided, single submitter. Criteria: ACMG Guidelines, 2015. Collection method: clinical testing. Allele origin: germline.

Illumina Laboratory Services, Illumina
Classification: Uncertain significance for Alport syndrome. Last evaluated: 2017-04-27. Review status: criteria provided, single submitter. Criteria: ICSL Variant Classification Criteria 13 December 2019. Collection method: clinical testing. Allele origin: germline.

Immunogenetics and Transplant Biology Service, University Hospital "Città della Salute e della Scienza di Torino"
Classification: Likely benign for Autosomal dominant Alport syndrome. Last evaluated: 2023-07-03. Review status: no assertion criteria provided. Collection method: clinical testing. Allele origin: inherited. Affected: no. Not counted in ClinVar's aggregate classification.

PreventionGenetics, part of Exact Sciences
Classification: Likely benign for COL4A3-related condition. Last evaluated: 2020-03-05. Review status: no assertion criteria provided. Collection method: clinical testing. Allele origin: germline. Not counted in ClinVar's aggregate classification.
Comment: This variant is classified as likely benign based on ACMG/AMP sequence variant interpretation guidelines (Richards et al. 2015 PMID: 25741868, with internal and published modifications).

Literature cited by the submitters: PubMed 14582039 (cited by Women's Health and Genetics/Laboratory Corporation of America, LabCorp); PubMed 38012624 (cited by Women's Health and Genetics/Laboratory Corporation of America, LabCorp); PubMed 15880327 (cited by Women's Health and Genetics/Laboratory Corporation of America, LabCorp).